The following is an entry in ClinVar:

NM_018834.6(MATR3):c.2284G>A (p.Ala762Thr)

Gene: MATR3 (matrin 3; plus strand). Cytogenetic location: 5q31.2.
Variant type: single nucleotide variant.
Coding change: c.2284G>A on transcript NM_018834.6 (MANE Select); coding-DNA position 2284, G replaced by A.
Protein change: p.Ala762Thr; replaces alanine 762 with threonine.
Molecular consequence: missense variant.
Genome position (GRCh38, 1-based): chr5:139,325,575, G>A. VCF-style: chr5-139325575-G-A. GRCh37 (hg19) VCF-style: chr5-138661264-G-A.
Other names: c.2284G>A, p.Ala762Thr (NM_001194954.2, NM_001194955.2, NM_199189.3); c.1420G>A, p.Ala474Thr (NM_001194956.2); c.1270G>A, p.Ala424Thr (NM_001282278.2); c.2284G>A (NM_199189.2); short protein forms A424T, A474T, A762T.
Identifiers: ClinVar variation 1599374 (VCV001599374.11), dbSNP rs148487997, ClinGen allele CA3433412.

ClinVar aggregate classification (germline): Benign/Likely benign. Review status: criteria provided, multiple submitters, no conflicts (2 of 4 stars). 3 submissions from 3 submitters: Benign (1); Likely benign (1). 1 of the submissions does not count toward it. Last evaluated 2025-12-21.

Conditions:
Amyotrophic lateral sclerosis type 21. Also called: MYOPATHY, DISTAL, 2; VOCAL CORD AND PHARYNGEAL DYSFUNCTION WITH DISTAL MYOPATHY. Identifiers: Orphanet 600, Orphanet 803, MedGen C3807521, MONDO:0011632, OMIM 606070.
MATR3-related disorder. Also called: MATR3-related condition.

Allele frequency attached by ClinVar (database versions not stated): gnomAD exomes 0.00010 and 0.00017; TOPMed 0.00014; ExAC 0.00016; gnomAD 0.00018 and 0.00019; ESP Exome Variant Server 0.00038.
gnomAD v4.1: 184 of 1,614,036 alleles (0.011%); highest among the groups gnomAD compares: Non-Finnish European, 0.0048%; no homozygotes.

Submissions (3):

Labcorp Genetics (formerly Invitae), Labcorp
Classification: Benign for Amyotrophic lateral sclerosis type 21. Last evaluated: 2025-12-21. Review status: criteria provided, single submitter. Criteria: Invitae Variant Classification Sherloc (09022015). Collection method: clinical testing. Allele origin: germline.

Blueprint Genetics
Classification: Likely benign. Last evaluated: 2020-07-13. Review status: criteria provided, single submitter. Criteria: ACMG Guidelines, 2015. Collection method: clinical testing. Allele origin: germline.

PreventionGenetics, part of Exact Sciences
Classification: Likely benign for MATR3-related condition. Last evaluated: 2022-04-22. Review status: no assertion criteria provided. Collection method: clinical testing. Allele origin: germline. Not counted in ClinVar's aggregate classification.
Comment: This variant is classified as likely benign based on ACMG/AMP sequence variant interpretation guidelines (Richards et al. 2015 PMID: 25741868, with internal and published modifications).